The following is an entry in ClinVar:

ClinVar aggregate classification (germline): Pathogenic/Likely pathogenic. Review status: criteria provided, multiple submitters, no conflicts (2 of 4 stars). 3 submissions from 3 submitters: Pathogenic (1); Likely pathogenic (1). 1 of the submissions does not count toward it. Last evaluated 2021-05-09.

Conditions:
Ornithine carbamoyltransferase deficiency (OTCD). Also called: ORNITHINE TRANSCARBAMYLASE DEFICIENCY, HYPERAMMONEMIA DUE TO; ORNITHINE TRANSCARBAMYLASE DEFICIENCY; OTC DEFICIENCY; Ornithine Carbamoyltransferase Deficiency Disease. Identifiers: Orphanet 664, MedGen C0268542, MONDO:0010703, OMIM 311250.

Submissions (3):

Labcorp Genetics (formerly Invitae), Labcorp
Classification: Pathogenic for Ornithine carbamoyltransferase deficiency. Last evaluated: 2021-05-09. Review status: criteria provided, single submitter. Criteria: Invitae Variant Classification Sherloc (09022015). Collection method: clinical testing. Allele origin: germline.
Comment: For these reasons, this variant has been classified as Pathogenic. Advanced modeling of protein sequence and biophysical properties (such as structural, functional, and spatial information, amino acid conservation, physicochemical variation, residue mobility, and thermodynamic stability) performed at Invitae indicates that this missense variant is expected to disrupt OTC protein function. This variant has been observed in individual(s) with ornithine transcarbamylase deficiency (PMID: 9266388, 10946359, Invitae). ClinVar contains an entry for this variant (Variation ID: 97376). This variant is not present in population databases (ExAC no frequency). This sequence change replaces arginine with glycine at codon 330 of the OTC protein (p.Arg330Gly). The arginine residue is highly conserved and there is a moderate physicochemical difference between arginine and glycine.

GeneDx
Classification: Likely pathogenic. Last evaluated: 2015-11-16. Review status: criteria provided, single submitter. Criteria: GeneDx Variant Classification (06012015). Collection method: clinical testing. Allele origin: germline. Affected: yes.
Comment: The R330G variant has been published previously as a pathogenic variant in patients with ornithine transcarbamylase (OTC) deficiency (Tuchman et al. 1997; McCullough et al. 2000; Nagasaka et al. 2013). The R330G variant was not observed in approximately 6500 individuals of European and African American ancestry in the NHLBI Exome Sequencing Project, indicating it is not a common benign variant in these populations. The R330G variant is a non-conservative amino acid substitution, which is likely to impact secondary protein structure as these residues differ in polarity, charge, size and/or other properties. This substitution occurs at a position that is conserved across species, and in silico analysis predicts this variant is probably damaging to the protein structure/function. Furthermore, missense variants in nearby residues (E326K, W332R, M335I) have been reported in the Human Gene Mutation Database in association with OTC deficiency (Stenson et al., 2014), supporting the functional importance of this region of the protein. Therefore, we interpret the R330C variant to be likely pathogenic; however, the possibility that it is benign cannot be excluded.

GenMed Metabolism Lab
Classification: Pathogenic. Review status: no assertion criteria provided. Collection method: not provided. Allele origin: unknown. Not counted in ClinVar's aggregate classification.
ClinVar note: Converted during submission from pathogenic to Pathogenic.

Literature cited by the submitters: PubMed 9266388 (cited by Labcorp Genetics (formerly Invitae), Labcorp); PubMed 10946359 (cited by Labcorp Genetics (formerly Invitae), Labcorp).

NM_000531.6(OTC):c.988A>G (p.Arg330Gly)

Gene: OTC (ornithine transcarbamylase; plus strand). Cytogenetic location: Xp11.4.
Variant type: single nucleotide variant.
Coding change: c.988A>G on transcript NM_000531.6 (MANE Select); coding-DNA position 988, A replaced by G.
Protein change: p.Arg330Gly; replaces arginine 330 with glycine.
Molecular consequence: missense variant.
Genome position (GRCh38, 1-based): chrX:38,411,982, A>G. VCF-style: chrX-38411982-A-G. GRCh37 (hg19) VCF-style: chrX-38271235-A-G.
Other names: short protein forms R330G.
Identifiers: ClinVar variation 97376 (VCV000097376.9), dbSNP rs72558478, ClinGen allele CA224864.